The following is an entry in ClinVar:

NM_000426.4(LAMA2):c.3094del (p.Cys1032fs)

Gene: LAMA2 (laminin subunit alpha 2; plus strand). Cytogenetic location: 6q22.33.
Variant type: Deletion.
Coding change: c.3094del on transcript NM_000426.4 (MANE Select); coding-DNA position 3094, one base deleted (T; older notation c.3094delT).
Protein change: p.Cys1032fs; shifts the reading frame from cysteine 1032.
Molecular consequence: frameshift variant.
Genome position (GRCh38, 1-based): chr6:129,300,792, T deleted; the last of 3 consecutive T bases (chr6:129,300,790-129,300,792); deleting any one gives the same sequence. VCF-style (leftmost placement, unchanged base first): chr6-129300789-AT-A. GRCh37 (hg19) VCF-style: chr6-129621934-AT-A.
Other names: p.Cys1032Alafs*43; c.3094delT, p.Cys1032Alafs (NM_000426.3); c.3094del, p.Cys1032fs (NM_001079823.2); short protein forms C1032fs.
Identifiers: ClinVar variation 4541214 (VCV004541214.1).

ClinVar aggregate classification (germline): Likely pathogenic (1 of 4 stars; one submission).

Submission:

Mayo Clinic Laboratories, Mayo Clinic
Classification: Likely pathogenic. Last evaluated: 2025-08-18. Review status: criteria provided, single submitter. Criteria: ACMG Guidelines, 2015. Collection method: clinical testing. Allele origin: germline. Observed: 1 variant allele.
Comment: PM2_supporting, PVS1